The following is an entry in ClinVar:

ClinVar aggregate classification (germline): Likely benign. Review status: criteria provided, multiple submitters, no conflicts (2 of 4 stars). 2 submissions from 2 submitters: Likely benign (2). Last evaluated 2024-05-09.

Allele frequency attached by ClinVar (database versions not stated): gnomAD 0.00001; gnomAD exomes 0.00001; TOPMed 0.00001.
gnomAD v4.1: 5 of 1,613,528 alleles (0.00031%); highest among the groups gnomAD compares: Non-Finnish European, 0.00042%; no homozygotes.

Submissions (2):

Labcorp Genetics (formerly Invitae), Labcorp
Classification: Likely benign. Last evaluated: 2024-05-09. Review status: criteria provided, single submitter. Criteria: Invitae Variant Classification Sherloc (09022015). Collection method: clinical testing. Allele origin: germline.

CeGaT Center for Human Genetics Tuebingen
Classification: Likely benign. Last evaluated: 2023-09-01. Review status: criteria provided, single submitter. Criteria: CeGaT Center For Human Genetics Tuebingen Variant Classification Criteria Version 2. Collection method: clinical testing. Allele origin: germline. Affected: yes. Observed: 1 variant allele.
Comment: CAPN1: BP4, BP7

NM_005186.4(CAPN1):c.621G>T (p.Gly207=)

Gene: CAPN1 (calpain 1; plus strand). Cytogenetic location: 11q13.1.
Variant type: single nucleotide variant.
Coding change: c.621G>T on transcript NM_005186.4 (MANE Select); coding-DNA position 621, G replaced by T.
Protein change: p.Gly207=; no amino-acid change (glycine 207 retained).
Molecular consequence: synonymous variant. On other transcripts: non-coding transcript variant (1).
Genome position (GRCh38, 1-based): chr11:65,186,200, G>T. VCF-style: chr11-65186200-G-T. GRCh37 (hg19) VCF-style: chr11-64953671-G-T.
Other names: c.621G>T, p.Gly207= (NM_001198868.2, NM_001198869.2); c.459G>T, p.Gly153= (NM_001198870.1).
Identifiers: ClinVar variation 2160451 (VCV002160451.29), dbSNP rs1397724449, ClinGen allele CA475009049.